The following is an entry in ClinVar:

ClinVar aggregate classification (germline): Uncertain significance (1 of 4 stars; one submission).

Conditions:
Hereditary cancer-predisposing syndrome. Also called: Neoplastic Syndromes, Hereditary; Tumor predisposition; Hereditary neoplastic syndrome; Hereditary Cancer Syndrome. Identifiers: Orphanet 140162, MedGen C0027672, MeSH D009386, MONDO:0015356.

Submission:

Ambry Genetics
Classification: Uncertain significance for Hereditary cancer-predisposing syndrome. Last evaluated: 2026-07-06. Review status: criteria provided, single submitter. Criteria: Ambry Variant Classification Scheme 2023. Collection method: clinical testing. Allele origin: germline.
Comment: The p.W251R variant (also known as c.751T>C), located in coding exon 5 of the NTHL1 gene, results from a T to C substitution at nucleotide position 751. The tryptophan at codon 251 is replaced by arginine, an amino acid with dissimilar properties. This amino acid position is conserved. In addition, this alteration is predicted to be deleterious by in silico analysis. Based on the available evidence, the clinical significance of this variant remains unclear.

NM_002528.7(NTHL1):c.727T>C (p.Trp243Arg)

Gene: NTHL1 (nth like DNA glycosylase 1; minus strand). Cytogenetic location: 16p13.3.
Variant type: single nucleotide variant.
Coding change: c.727T>C on transcript NM_002528.7 (MANE Select); coding-DNA position 727, T replaced by C.
Protein change: p.Trp243Arg; replaces tryptophan 243 with arginine.
Molecular consequence: missense variant.
Genome position (GRCh38, 1-based): chr16:2,040,197, A>G on the plus strand (T>C on the coding strand, the complement: NTHL1 is on the minus strand). VCF-style: chr16-2040197-A-G. GRCh37 (hg19) VCF-style: chr16-2090198-A-G.
Other names: c.556T>C, p.Trp186Arg (NM_001318193.2); c.397T>C, p.Trp133Arg (NM_001318194.2); short protein forms W133R, W186R, W243R.
Identifiers: ClinVar variation 5025885 (VCV005025885.1).